The following is an entry in ClinVar:

ClinVar aggregate classification (germline): Uncertain significance. Review status: criteria provided, multiple submitters, no conflicts (2 of 4 stars). 2 submissions from 2 submitters: Uncertain significance (2). Last evaluated 2025-10-22.

Conditions:
Cranioectodermal dysplasia 1 (CED1). Also called: LEVIN SYNDROME I. Identifiers: Orphanet 1515, MedGen C0432235, MONDO:0021093, OMIM 218330.

Allele frequency attached by ClinVar (database versions not stated): ExAC 0.00002; gnomAD 0.00005; TOPMed 0.00005; gnomAD exomes 0.00002.
gnomAD v4.1: 37 of 1,614,064 alleles (0.0023%); highest among the groups gnomAD compares: African/African-American, 0.024%; no homozygotes.

Submissions (2):

Labcorp Genetics (formerly Invitae), Labcorp
Classification: Uncertain significance for Cranioectodermal dysplasia 1. Last evaluated: 2025-10-22. Review status: criteria provided, single submitter. Criteria: Invitae Variant Classification Sherloc (09022015). Collection method: clinical testing. Allele origin: germline.
Comment: This sequence change replaces arginine, which is basic and polar, with glycine, which is neutral and non-polar, at codon 1081 of the IFT122 protein (p.Arg1081Gly). This variant is present in population databases (rs779382861, gnomAD 0.02%). This variant has not been reported in the literature in individuals affected with IFT122-related conditions. ClinVar contains an entry for this variant (Variation ID: 1982202). Invitae Evidence Modeling of protein sequence and biophysical properties (such as structural, functional, and spatial information, amino acid conservation, physicochemical variation, residue mobility, and thermodynamic stability) indicates that this missense variant is not expected to disrupt IFT122 protein function with a negative predictive value of 80%. In summary, the available evidence is currently insufficient to determine the role of this variant in disease. Therefore, it has been classified as a Variant of Uncertain Significance.

GeneDx
Classification: Uncertain significance. Last evaluated: 2024-06-10. Review status: criteria provided, single submitter. Criteria: GeneDx Variant Classification Process June 2021. Collection method: clinical testing. Allele origin: germline.
Comment: In silico analysis supports that this missense variant has a deleterious effect on protein structure/function; Has not been previously published as pathogenic or benign to our knowledge

NM_052989.3(IFT122):c.3088A>G (p.Arg1030Gly)

Gene: IFT122 (intraflagellar transport 122; plus strand). Cytogenetic location: 3q22.1.
Variant type: single nucleotide variant.
Coding change: c.3088A>G on transcript NM_052989.3 (MANE Select); coding-DNA position 3088, A replaced by G.
Protein change: p.Arg1030Gly; replaces arginine 1030 with glycine.
Molecular consequence: missense variant.
Genome position (GRCh38, 1-based): chr3:129,514,489, A>G. VCF-style: chr3-129514489-A-G. GRCh37 (hg19) VCF-style: chr3-129233332-A-G.
Other names: c.3241A>G (NM_052985.3); c.2755A>G, p.Arg919Gly (NM_001410815.1); c.2704A>G, p.Arg902Gly (NM_001410817.1); c.2911A>G, p.Arg971Gly (NM_018262.4); c.3241A>G, p.Arg1081Gly (NM_052985.4); c.2758A>G, p.Arg920Gly (NM_052990.3); c.3067A>G, p.Arg1023Gly (NM_001280541.2); c.2638A>G, p.Arg880Gly (NM_001280545.2); and 6 more; short protein forms R1012G, R821G, R919G, R954G, R972G, R1023G, R1081G, R902G.
Identifiers: ClinVar variation 1982202 (VCV001982202.6), dbSNP rs779382861, ClinGen allele CA2606778.